The following is an entry in ClinVar:

NM_002024.6(FMR1):c.578G>A (p.Arg193His)

Gene: FMR1 (fragile X messenger ribonucleoprotein 1; plus strand). Cytogenetic location: Xq27.3.
Variant type: single nucleotide variant.
Coding change: c.578G>A on transcript NM_002024.6 (MANE Select); coding-DNA position 578, G replaced by A.
Protein change: p.Arg193His; replaces arginine 193 with histidine.
Molecular consequence: missense variant. On other transcripts: non-coding transcript variant (2).
Genome position (GRCh38, 1-based): chrX:147,930,192, G>A. VCF-style: chrX-147930192-G-A. GRCh37 (hg19) VCF-style: chrX-147011711-G-A.
Other names: c.578G>A, p.Arg193His (NM_001185075.2, NM_001185076.2, NM_001185081.2 and 1 more transcripts); short protein forms R193H.
Identifiers: ClinVar variation 2628570 (VCV002628570.1), dbSNP rs782377065, ClinGen allele CA10536184.
Genomic context (GRCh38, chrX:147,930,192, plus strand): 5'-TCAATGAAGTCACCTCAAAGCGAGCACATATGCTGATTGACATGCACTTTCGGAGTCTGC[G>A]CACTAAGTTGTCTCTGATAATGAGAAATGAAGAAGCTAGTAAGCAGCTGGAGGTATGTCA-3'
Protein context (NP_002015.1, residues 183-203): MLIDMHFRSL[Arg193His]TKLSLIMRNE

ClinVar aggregate classification (germline): Uncertain significance (1 of 4 stars; one submission).

Conditions:
FMR1-related disorder. Also called: FMR1-related condition.

Allele frequency attached by ClinVar (database versions not stated): gnomAD exomes below 0.00001; ExAC 0.00001; TOPMed 0.00002.
gnomAD v4.1: 1 of 1,208,307 alleles (0.000083%); highest among the groups gnomAD compares: South Asian, 0.0018%; no homozygotes.

Submission:

PreventionGenetics, part of Exact Sciences
Classification: Uncertain significance for FMR1-related condition. Last evaluated: 2022-08-25. Review status: criteria provided, single submitter. Criteria: ACMG Guidelines, 2015. Collection method: clinical testing. Allele origin: germline.
Comment: The FMR1 c.578G>A variant is predicted to result in the amino acid substitution p.Arg193His. To our knowledge, this variant has not been reported in the literature or in a large population database, indicating this variant is rare. At this time, the clinical significance of this variant is uncertain due to the absence of conclusive functional and genetic evidence.